The following is an entry in ClinVar:

ClinVar aggregate classification (germline): Uncertain significance (1 of 4 stars; one submission).

Conditions:
Hereditary pancreatitis (PCTT). Also called: Hereditary chronic pancreatitis; PRSS1-Related Hereditary Pancreatitis. Identifiers: Orphanet 676, MedGen C0238339, MONDO:0008185, OMIM 167800.

gnomAD v4.1: 3 of 1,614,154 alleles (0.00019%); highest among the groups gnomAD compares: Non-Finnish European, 0.00025%; no homozygotes.

Submission:

Ambry Genetics
Classification: Uncertain significance for Hereditary pancreatitis. Last evaluated: 2025-11-09. Review status: criteria provided, single submitter. Criteria: Ambry Variant Classification Scheme 2023. Collection method: clinical testing. Allele origin: germline.
Comment: The p.R237L variant (also known as c.710G>T), located in coding exon 7 of the CPA1 gene, results from a G to T substitution at nucleotide position 710. The arginine at codon 237 is replaced by leucine, an amino acid with dissimilar properties. This amino acid position is conserved. In addition, this alteration is predicted to be deleterious by in silico analysis. Since supporting evidence is limited at this time, the clinical significance of this alteration remains unclear.

NM_001868.4(CPA1):c.710G>T (p.Arg237Leu)

Gene: CPA1 (carboxypeptidase A1; plus strand). Cytogenetic location: 7q32.2.
Variant type: single nucleotide variant.
Coding change: c.710G>T on transcript NM_001868.4 (MANE Select); coding-DNA position 710, G replaced by T.
Protein change: p.Arg237Leu; replaces arginine 237 with leucine.
Molecular consequence: missense variant.
Genome position (GRCh38, 1-based): chr7:130,384,549, G>T. VCF-style: chr7-130384549-G-T. GRCh37 (hg19) VCF-style: chr7-130024390-G-T.
Other names: short protein forms R237L.
Identifiers: ClinVar variation 1757219 (VCV001757219.3), dbSNP rs371545225, ClinGen allele CA369282912.